The following is an entry in ClinVar:

NM_015102.5(NPHP4):c.477del (p.Arg160fs)

Gene: NPHP4 (nephrocystin 4; minus strand). Cytogenetic location: 1p36.31.
Variant type: Deletion.
Coding change: c.477del on transcript NM_015102.5 (MANE Select); coding-DNA position 477, one base deleted (C; older notation c.477delC).
Protein change: p.Arg160fs; shifts the reading frame from arginine 160.
Molecular consequence: frameshift variant. On other transcripts: 5 prime UTR variant (2), non-coding transcript variant (1).
Genome position (GRCh38, 1-based): chr1:5,967,339, G deleted on the plus strand (C on the coding strand, the reverse complement: NPHP4 is on the minus strand); the first of 5 consecutive G bases (chr1:5,967,339-5,967,343); deleting any one gives the same sequence. VCF-style (leftmost placement, unchanged base first): chr1-5967338-TG-T. GRCh37 (hg19) VCF-style: chr1-6027398-TG-T.
Other names: c.-753del (NM_001291593.2); c.-890del (NM_001291594.2); short protein forms R160fs.
Identifiers: ClinVar variation 1993877 (VCV001993877.4), dbSNP rs2523666112, ClinGen allele CA2580062534.
Genomic context (GRCh38, chr1:5,967,338, plus strand): 5'-AAGGCCAGGTCTGGCTCTTACGCTCTGCGGGGTCCTGGAGAAGCGGGTGCAGGAGGGCTC[TG>T]GGGGTGCCATGGTACAGCCGCAACCTGGAAGACAGGACCCAGAGAACAGTCGTCAGCCAC-3'

ClinVar aggregate classification (germline): Pathogenic (1 of 4 stars; one submission).

Conditions:
Nephronophthisis. Also called: Juvenile Nephronophthisis. Identifiers: Orphanet 655, MedGen C0687120, MONDO:0019005, HP:0000090.

Submission:

Labcorp Genetics (formerly Invitae), Labcorp
Classification: Pathogenic for Nephronophthisis. Last evaluated: 2022-08-22. Review status: criteria provided, single submitter. Criteria: Invitae Variant Classification Sherloc (09022015). Collection method: clinical testing. Allele origin: germline.
Comment: This sequence change creates a premature translational stop signal (p.Arg160Glufs*18) in the NPHP4 gene. It is expected to result in an absent or disrupted protein product. Loss-of-function variants in NPHP4 are known to be pathogenic (PMID: 12205563, 23559409). This variant is not present in population databases (gnomAD no frequency). This variant has not been reported in the literature in individuals affected with NPHP4-related conditions. For these reasons, this variant has been classified as Pathogenic.

Literature cited by the submitters: PubMed 12205563; PubMed 23559409.